The following is an entry in ClinVar:

NM_002768.5(CHMP1A):c.27+1G>C

Gene: CHMP1A (charged multivesicular body protein 1A; minus strand). Cytogenetic location: 16q24.3.
Variant type: single nucleotide variant.
Coding change: c.27+1G>C on transcript NM_002768.5 (MANE Select); the canonical splice donor site of the intron after coding-DNA position 27, G replaced by C.
Molecular consequence: splice donor variant. On other transcripts: intron variant (1).
Genome position (GRCh38, 1-based): chr16:89,653,903, C>G on the plus strand (G>C on the coding strand, the complement: CHMP1A is on the minus strand). VCF-style: chr16-89653903-C-G. GRCh37 (hg19) VCF-style: chr16-89720311-C-G.
Other names: NC_000016.9:g.89720311C>G; c.8-2257G>C (NM_001083314.4); c.27+1G>C (NM_002768.4).
Identifiers: ClinVar variation 4417137 (VCV004417137.2).
Genomic context (GRCh38, chr16:89,653,903, plus strand): 5'-TGGCTTATACTATCTGTCCTCACCAGAACAGGGCTGGGGTGAACGGCCATTCGGTACATA[C>G]CTTCAACTGGAACAGGGTATCTGCAAAGAAAGAGGGAATTAATGGTTTGAGGATTGGGAA-3'

ClinVar aggregate classification (germline): Likely pathogenic (1 of 4 stars; one submission).

Conditions:
CHMP1A-related disorder. Also called: CHMP1A-related condition.

Submissions (2):

PreventionGenetics, part of Exact Sciences
Classification: Likely pathogenic for CHMP1A-related condition. Last evaluated: 2026-02-03. Review status: criteria provided, single submitter. Criteria: ACMG Guidelines, 2015. Collection method: clinical testing. Allele origin: germline.
Comment: The CHMP1A c.27+1G>C variant is predicted to disrupt the GT donor site and interfere with normal splicing. To our knowledge, this variant has not been reported in the literature or in a large population database (gnomAD), indicating this variant is rare. Variants that disrupt the consensus splice donor site in CHMP1A are expected to be pathogenic. This variant is interpreted as likely pathogenic.

Dr. Peter K. Rogan Lab, Western University
No classification provided (evidence only). Condition: Thyroid cancer, nonmedullary, 1. Review status: no classification provided. Collection method: in vitro. Allele origin: not applicable. Functional consequence: skipped exon. Not counted in ClinVar's aggregate classification.